The following is an entry in ClinVar:

ClinVar aggregate classification (germline): Uncertain significance. Review status: criteria provided, multiple submitters, no conflicts (2 of 4 stars). 2 submissions from 2 submitters: Uncertain significance (2). Last evaluated 2025-04-08.

Conditions:
Autosomal dominant limb-girdle muscular dystrophy type 1G (LGMDD3). Also called: Limb-girdle muscular dystrophy, type 1G; MUSCULAR DYSTROPHY, LIMB-GIRDLE, AUTOSOMAL DOMINANT 3. Identifiers: Orphanet 55596, MedGen C1836765, MONDO:0012193, OMIM 609115.

Allele frequency attached by ClinVar (database versions not stated): TOPMed 0.00002; gnomAD 0.00003 and 0.00004; gnomAD exomes 0.00004; ExAC 0.00007.
gnomAD v4.1: 24 of 1,611,492 alleles (0.0015%); highest among the groups gnomAD compares: Admixed American, 0.0067%; 1 homozygote.

Submissions (2):

Labcorp Genetics (formerly Invitae), Labcorp
Classification: Uncertain significance for Autosomal dominant limb-girdle muscular dystrophy type 1G. Last evaluated: 2025-04-08. Review status: criteria provided, single submitter. Criteria: Invitae Variant Classification Sherloc (09022015). Collection method: clinical testing. Allele origin: germline.
Comment: This sequence change replaces leucine, which is neutral and non-polar, with phenylalanine, which is neutral and non-polar, at codon 85 of the HNRNPDL protein (p.Leu85Phe). This variant is present in population databases (rs760917145, gnomAD 0.01%), including at least one homozygous and/or hemizygous individual. This missense change has been observed in individual(s) with clinical features of limb-girdle muscular dystrophy (internal data). ClinVar contains an entry for this variant (Variation ID: 464385). An algorithm developed to predict the effect of missense changes on protein structure and function (PolyPhen-2) suggests that this variant is likely to be disruptive. In summary, the available evidence is currently insufficient to determine the role of this variant in disease. Therefore, it has been classified as a Variant of Uncertain Significance.

Ambry Genetics
Classification: Uncertain significance. Last evaluated: 2024-08-28. Review status: criteria provided, single submitter. Criteria: Ambry Variant Classification Scheme 2023. Collection method: clinical testing. Allele origin: germline.

NM_031372.4(HNRNPDL):c.253C>T (p.Leu85Phe)

Gene: HNRNPDL (heterogeneous nuclear ribonucleoprotein D like; minus strand). Cytogenetic location: 4q21.22.
Variant type: single nucleotide variant.
Coding change: c.253C>T on transcript NM_031372.4 (MANE Select); coding-DNA position 253, C replaced by T.
Protein change: p.Leu85Phe; replaces leucine 85 with phenylalanine.
Molecular consequence: missense variant. On other transcripts: non-coding transcript variant (1).
Genome position (GRCh38, 1-based): chr4:82,429,438, G>A on the plus strand (C>T on the coding strand, the complement: HNRNPDL is on the minus strand). VCF-style: chr4-82429438-G-A. GRCh37 (hg19) VCF-style: chr4-83350591-G-A.
Other names: c.253C>T, p.Leu85Phe (NM_001207000.1); short protein forms L85F.
Identifiers: ClinVar variation 464385 (VCV000464385.10), dbSNP rs760917145, ClinGen allele CA2985101.